The following is an entry in ClinVar:

ClinVar aggregate classification (germline): Uncertain significance. Review status: criteria provided, multiple submitters, no conflicts (2 of 4 stars). 5 submissions from 5 submitters: Uncertain significance (5). Last evaluated 2026-05-28.

Conditions:
Dilated cardiomyopathy 1G (CMD1G). Identifiers: Orphanet 154, MedGen C1858763, MONDO:0011400, OMIM 604145.
Autosomal recessive limb-girdle muscular dystrophy type 2J (LGMDR10). Also called: Limb-girdle muscular dystrophy, type 2J; MUSCULAR DYSTROPHY, LIMB-GIRDLE, AUTOSOMAL RECESSIVE 10. Identifiers: Orphanet 140922, MedGen C1837342, MONDO:0012127, OMIM 608807.
Cardiomyopathy (CMYO). Also called: Cardiomyopathies. Identifiers: Orphanet 167848, MedGen C0878544, MONDO:0004994, HP:0001638. Inheritance: Various modes of inheritance.
TTN-related disorder. Also called: TTN-related condition; TTN-related disease; TTN-related disorders.

Allele frequency attached by ClinVar (database versions not stated): ExAC 0.00002; gnomAD exomes 0.00003 and 0.00008; gnomAD 0.00004; TOPMed 0.00006; ESP Exome Variant Server 0.00008.
gnomAD v4.1: 119 of 1,613,396 alleles (0.0074%); highest among the groups gnomAD compares: Non-Finnish European, 0.0094%; no homozygotes.

Submissions (5):

PreventionGenetics, part of Exact Sciences
Classification: Uncertain significance for TTN-related condition. Last evaluated: 2026-05-28. Review status: criteria provided, single submitter. Criteria: ACMG Guidelines, 2015. Collection method: clinical testing. Allele origin: germline.
Comment: The TTN c.70424G>A variant is predicted to result in the amino acid substitution p.Arg23475His. To our knowledge, this variant has not been reported in the literature. This variant is reported in 0.0083% of alleles in individuals of African descent in gnomAD. At this time, the clinical significance of this variant is uncertain due to the absence of conclusive functional and genetic evidence.

Revvity Omics, Revvity
Classification: Uncertain significance. Last evaluated: 2023-06-01. Review status: criteria provided, single submitter. Criteria: ACMG Guidelines, 2015. Collection method: clinical testing. Allele origin: germline.

CHEO Genetics Diagnostic Laboratory, Children's Hospital of Eastern Ontario
Classification: Uncertain significance for Cardiomyopathy. Last evaluated: 2017-11-01. Review status: criteria provided, single submitter. Criteria: ACMG Guidelines, 2015. Collection method: clinical testing. Allele origin: germline.

Labcorp Genetics (formerly Invitae), Labcorp
Classification: Uncertain significance for Dilated cardiomyopathy 1G; Autosomal recessive limb-girdle muscular dystrophy type 2J. Last evaluated: 2017-07-16. Review status: criteria provided, single submitter. Criteria: Invitae Variant Classification Sherloc (09022015). Collection method: clinical testing. Allele origin: germline.

Eurofins Ntd Llc (ga)
Classification: Uncertain significance. Last evaluated: 2016-08-23. Review status: criteria provided, single submitter. Criteria: EGL Classification Definitions 2015. Collection method: clinical testing. Allele origin: germline. Observed: 1 variant allele, 1 heterozygote.

NM_001267550.2(TTN):c.70424G>A (p.Arg23475His)

Genes: TTN (titin; minus strand), TTN-AS1 (TTN antisense RNA 1; plus strand), LOC126806422 (BRD4-independent group 4 enhancer GRCh37_chr2:179440205-179441404; plus strand). Cytogenetic location: 2q31.2.
Variant type: single nucleotide variant.
Coding change: c.70424G>A on transcript NM_001267550.2 (MANE Select); coding-DNA position 70424, G replaced by A.
Protein change: p.Arg23475His; replaces arginine 23475 with histidine.
Molecular consequence: missense variant.
Genome position (GRCh38, 1-based): chr2:178,575,708, C>T on the plus strand (G>A on the coding strand, the complement: TTN is on the minus strand). VCF-style: chr2-178575708-C-T. GRCh37 (hg19) VCF-style: chr2-179440435-C-T.
Other names: c.65501G>A, p.Arg21834His (NM_001256850.1); c.43229G>A, p.Arg14410His (NM_003319.4); c.62720G>A, p.Arg20907His (NM_133378.4); c.43604G>A, p.Arg14535His (NM_133432.3); c.43805G>A, p.Arg14602His (NM_133437.4); short protein forms R20907H, R23475H, R14410H, R14535H, R14602H, R21834H.
Identifiers: ClinVar variation 290351 (VCV000290351.13), dbSNP rs370257707, ClinGen allele CA1990784.